The following is an entry in ClinVar:

NC_000012.12:g.121626843G>T

Genes: ORAI1 (ORAI calcium release-activated calcium modulator 1; plus strand), LOC130008987 (ATAC-STARR-seq lymphoblastoid silent region 4981; plus strand). Cytogenetic location: 12q24.31.
Variant type: single nucleotide variant.
Genome position: GRCh38 VCF-style: chr12-121626843-G-T. GRCh37 (hg19) VCF-style: chr12-122064748-G-T.
Other names: c.101G>T, p.Ser34Ile (NM_032790.4); short protein forms S34I.
Identifiers: ClinVar variation 2122738 (VCV002122738.4), dbSNP rs2503521850, ClinGen allele CA386980529.

ClinVar aggregate classification (germline): Uncertain significance (1 of 4 stars; one submission).

Conditions:
Myopathy, tubular aggregate, 2 (TAM2). Identifiers: MedGen C4014557, MONDO:0014383, OMIM 615883.
Combined immunodeficiency due to ORAI1 deficiency. Also called: IMMUNODEFICIENCY 9. Identifiers: Orphanet 169090, Orphanet 317428, MedGen C2748568, MONDO:0013007, OMIM 612782.

Submission:

Labcorp Genetics (formerly Invitae), Labcorp
Classification: Uncertain significance for Myopathy, tubular aggregate, 2; Combined immunodeficiency due to ORAI1 deficiency. Last evaluated: 2024-04-16. Review status: criteria provided, single submitter. Criteria: Invitae Variant Classification Sherloc (09022015). Collection method: clinical testing. Allele origin: germline.
Comment: This sequence change replaces serine, which is neutral and polar, with isoleucine, which is neutral and non-polar, at codon 34 of the ORAI1 protein (p.Ser34Ile). This variant is not present in population databases (gnomAD no frequency). This variant has not been reported in the literature in individuals affected with ORAI1-related conditions. ClinVar contains an entry for this variant (Variation ID: 2122738). Experimental studies and prediction algorithms are not available or were not evaluated, and the functional significance of this variant is currently unknown. In summary, the available evidence is currently insufficient to determine the role of this variant in disease. Therefore, it has been classified as a Variant of Uncertain Significance.